The following is an entry in ClinVar:

NM_182961.4(SYNE1):c.11253+6C>A

Gene: SYNE1 (spectrin repeat containing nuclear envelope protein 1; minus strand). Cytogenetic location: 6q25.2.
Variant type: single nucleotide variant.
Coding change: c.11253+6C>A on transcript NM_182961.4 (MANE Select); 6 bases into the intron after coding-DNA position 11253, C replaced by A.
Molecular consequence: intron variant.
Genome position (GRCh38, 1-based): chr6:152,353,257, G>T on the plus strand (C>A on the coding strand, the complement: SYNE1 is on the minus strand). VCF-style: chr6-152353257-G-T. GRCh37 (hg19) VCF-style: chr6-152674392-G-T.
Other names: c.11208+6C>A (NM_033071.5).
Identifiers: ClinVar variation 846431 (VCV000846431.9), dbSNP rs2096773869, ClinGen allele CA916082908.

ClinVar aggregate classification (germline): Uncertain significance (1 of 4 stars; one submission).

Conditions:
Emery-Dreifuss muscular dystrophy 4, autosomal dominant (EDMD4). Also called: EMERY-DREIFUSS MUSCULAR DYSTROPHY 4 WITH VARIABLE FEATURES. Identifiers: Orphanet 261, MedGen C2751807, MONDO:0013071, OMIM 612998.
Autosomal recessive ataxia, Beauce type. Also called: Spinocerebellar ataxia, autosomal recessive 8; ATAXIA, RECESSIVE, OF BEAUCE; SYNE1-Related Autosomal Recessive Cerebellar Ataxia; SYNE1 Deficiency. Identifiers: Orphanet 88644, MedGen C1853116, MONDO:0012549, OMIM 610743.

Submission:

Labcorp Genetics (formerly Invitae), Labcorp
Classification: Uncertain significance for Emery-Dreifuss muscular dystrophy 4, autosomal dominant; Autosomal recessive ataxia, Beauce type. Last evaluated: 2022-10-13. Review status: criteria provided, single submitter. Criteria: Invitae Variant Classification Sherloc (09022015). Collection method: clinical testing. Allele origin: germline.
Comment: This variant has not been reported in the literature in individuals affected with SYNE1-related conditions. ClinVar contains an entry for this variant (Variation ID: 846431). Variants that disrupt the consensus splice site are a relatively common cause of aberrant splicing (PMID: 17576681, 9536098). Algorithms developed to predict the effect of sequence changes on RNA splicing suggest that this variant may create or strengthen a splice site. In summary, the available evidence is currently insufficient to determine the role of this variant in disease. Therefore, it has been classified as a Variant of Uncertain Significance. This sequence change falls in intron 69 of the SYNE1 gene. It does not directly change the encoded amino acid sequence of the SYNE1 protein. It affects a nucleotide within the consensus splice site. This variant is not present in population databases (gnomAD no frequency).

Literature cited by the submitters: PubMed 17576681; PubMed 9536098.